The following is an entry in ClinVar:

NM_001164508.2(NEB):c.13276G>A (p.Asp4426Asn)

Gene: NEB (nebulin; minus strand). Cytogenetic location: 2q23.3.
Variant type: single nucleotide variant.
Coding change: c.13276G>A on transcript NM_001164508.2 (MANE Select); coding-DNA position 13276, G replaced by A.
Protein change: p.Asp4426Asn; replaces aspartic acid 4426 with asparagine.
Molecular consequence: missense variant. On other transcripts: intron variant (1).
Genome position (GRCh38, 1-based): chr2:151,602,679, C>T on the plus strand (G>A on the coding strand, the complement: NEB is on the minus strand). VCF-style: chr2-151602679-C-T. GRCh37 (hg19) VCF-style: chr2-152459193-C-T.
Other names: c.13276G>A, p.Asp4426Asn (NM_001164507.2, NM_001271208.2); c.11601+7130G>A (NM_004543.5); short protein forms D4426N.
Identifiers: ClinVar variation 227726 (VCV000227726.14), dbSNP rs876657540, ClinGen allele CA10576442.

ClinVar aggregate classification (germline): Conflicting classifications of pathogenicity. Review status: criteria provided, conflicting classifications (1 of 4 stars). 7 submissions from 7 submitters: Uncertain significance (2); Benign (2); Likely benign (2). 1 of the submissions does not count toward it. Last evaluated 2026-02-04.

Conditions:
Nemaline myopathy 2 (NEM2). Also called: Nemaline myopathy 2, autosomal recessive. Identifiers: MedGen C1850569, MONDO:0009725, OMIM 256030.

Submissions (7):

Labcorp Genetics (formerly Invitae), Labcorp
Classification: Benign for Nemaline myopathy 2. Last evaluated: 2026-02-04. Review status: criteria provided, single submitter. Criteria: Invitae Variant Classification Sherloc (09022015). Collection method: clinical testing. Allele origin: germline.

Genomic Medicine Center of Excellence, King Faisal Specialist Hospital and Research Centre
Classification: Uncertain significance for Nemaline myopathy 2. Last evaluated: 2024-12-19. Review status: criteria provided, single submitter. Criteria: ACMG Guidelines, 2015. Collection method: clinical testing. Allele origin: germline.

Revvity Omics, Revvity
Classification: Uncertain significance. Last evaluated: 2023-02-15. Review status: criteria provided, single submitter. Criteria: ACMG Guidelines, 2015. Collection method: clinical testing. Allele origin: germline.

GeneDx
Classification: Likely benign. Last evaluated: 2020-09-17. Review status: criteria provided, single submitter. Criteria: GeneDx Variant Classification Process June 2021. Collection method: clinical testing. Allele origin: germline. Affected: yes.

Laboratory for Molecular Medicine, Mass General Brigham Personalized Medicine
Classification: Likely benign. Last evaluated: 2014-12-19. Review status: criteria provided, single submitter. Criteria: LMM Criteria. Collection method: clinical testing. Allele origin: germline. Observed: 13 variant alleles.
Comment: NEB exons 82-105 are organized in three repetitive blocks of 8 exons each and be cause these blocks are nearly identical in sequence, homologous exons (e.g., exo ns 82, 90, and 98) are co-amplified and sequenced (each amplicon consists of 6 a lleles). This variant represents a nonhomologous position within the three repet itive blocks (c.13276G, c.14734A, and c.16192G). The variable alleles at this po sition are not expected to have clinical significance due to a lack of conservat ion at this position across species, including mammals. A change at this positio n has also been identified in 0.4% (41/10774) to 15% (3900/21678) of chromosomes across several diverse populations by the Exome Aggregate Consortium.

PreventionGenetics, part of Exact Sciences
Classification: Benign. Review status: criteria provided, single submitter. Criteria: ACMG Guidelines, 2015. Collection method: clinical testing. Allele origin: germline.

Natera, Inc.
Classification: Likely benign for Nemaline myopathy type 2. Last evaluated: 2020-09-16. Review status: no assertion criteria provided. Collection method: clinical testing. Allele origin: germline. Not counted in ClinVar's aggregate classification.